The following is an entry in ClinVar:

ClinVar aggregate classification (germline): Uncertain significance. Review status: criteria provided, multiple submitters, no conflicts (2 of 4 stars). 2 submissions from 2 submitters: Uncertain significance (2). Last evaluated 2024-11-05.

Conditions:
Alagille syndrome due to a NOTCH2 point mutation. Also called: Alagille syndrome 2. Identifiers: Orphanet 261629, Orphanet 52, MedGen C1857761, MONDO:0012439, OMIM 610205.
Hajdu-Cheney syndrome (HJCYS). Also called: SERPENTINE FIBULA-POLYCYSTIC KIDNEY SYNDROME; Acroosteolysis dominant type; ACROOSTEOLYSIS WITH OSTEOPOROSIS AND CHANGES IN SKULL AND MANDIBLE. Identifiers: Orphanet 955, MedGen C0917715, MONDO:0007057, OMIM 102500.

gnomAD v4.1: 14 of 1,614,050 alleles (0.00087%); highest among the groups gnomAD compares: Non-Finnish European, 0.00093%; no homozygotes.

Submissions (2):

Labcorp Genetics (formerly Invitae), Labcorp
Classification: Uncertain significance for Hajdu-Cheney syndrome. Last evaluated: 2024-11-05. Review status: criteria provided, single submitter. Criteria: Invitae Variant Classification Sherloc (09022015). Collection method: clinical testing. Allele origin: germline.
Comment: This sequence change replaces serine, which is neutral and polar, with leucine, which is neutral and non-polar, at codon 1804 of the NOTCH2 protein (p.Ser1804Leu). This variant is present in population databases (rs372061331, gnomAD 0.005%). This variant has not been reported in the literature in individuals affected with NOTCH2-related conditions. Invitae Evidence Modeling of protein sequence and biophysical properties (such as structural, functional, and spatial information, amino acid conservation, physicochemical variation, residue mobility, and thermodynamic stability) indicates that this missense variant is not expected to disrupt NOTCH2 protein function with a negative predictive value of 80%. Experimental studies have shown that this missense change affects NOTCH2 function (PMID: 30304577). In summary, the available evidence is currently insufficient to determine the role of this variant in disease. Therefore, it has been classified as a Variant of Uncertain Significance.

Fulgent Genetics
Classification: Uncertain significance for Hajdu-Cheney syndrome; Alagille syndrome due to a NOTCH2 point mutation. Last evaluated: 2024-04-15. Review status: criteria provided, single submitter. Criteria: ACMG Guidelines, 2015. Collection method: clinical testing. Allele origin: germline.

Literature cited by the submitters: PubMed 30304577 (cited by Labcorp Genetics (formerly Invitae), Labcorp).

NM_024408.4(NOTCH2):c.5411C>T (p.Ser1804Leu)

Gene: NOTCH2 (notch receptor 2; minus strand). Cytogenetic location: 1p12.
Variant type: single nucleotide variant.
Coding change: c.5411C>T on transcript NM_024408.4 (MANE Select); coding-DNA position 5411, C replaced by T.
Protein change: p.Ser1804Leu; replaces serine 1804 with leucine.
Molecular consequence: missense variant.
Genome position (GRCh38, 1-based): chr1:119,920,297, G>A on the plus strand (C>T on the coding strand, the complement: NOTCH2 is on the minus strand). VCF-style: chr1-119920297-G-A. GRCh37 (hg19) VCF-style: chr1-120462920-G-A.
Other names: short protein forms S1804L.
Identifiers: ClinVar variation 3583499 (VCV003583499.3).